The following is an entry in ClinVar:

NM_001845.6(COL4A1):c.3749C>T (p.Pro1250Leu)

Gene: COL4A1 (collagen type IV alpha 1 chain; minus strand). Cytogenetic location: 13q34.
Variant type: single nucleotide variant.
Coding change: c.3749C>T on transcript NM_001845.6 (MANE Select); coding-DNA position 3749, C replaced by T.
Protein change: p.Pro1250Leu; replaces proline 1250 with leucine.
Molecular consequence: missense variant.
Genome position (GRCh38, 1-based): chr13:110,169,756, G>A on the plus strand (C>T on the coding strand, the complement: COL4A1 is on the minus strand). VCF-style: chr13-110169756-G-A. GRCh37 (hg19) VCF-style: chr13-110822103-G-A.
Other names: c.3749C>T (NM_001845.5); short protein forms P1250L.
Identifiers: ClinVar variation 2201588 (VCV002201588.8), dbSNP rs753887777, ClinGen allele CA7047147.

ClinVar aggregate classification (germline): Uncertain significance. Review status: criteria provided, multiple submitters, no conflicts (2 of 4 stars). 3 submissions from 3 submitters: Uncertain significance (2). 1 of the submissions does not count toward it. Last evaluated 2026-04-01.

Conditions:
COL4A1-related disorder. Also called: COL4A1-related disorders; COL4A1-related condition. Identifiers: MedGen CN376119, MONDO:0800461.

Allele frequency attached by ClinVar (database versions not stated): ExAC 0.00001; gnomAD exomes 0.00002; TOPMed 0.00003; gnomAD 0.00004.
gnomAD v4.1: 30 of 1,613,788 alleles (0.0019%); highest among the groups gnomAD compares: South Asian, 0.023%; no homozygotes.

Submissions (3):

CeGaT Center for Human Genetics Tuebingen
Classification: Uncertain significance. Last evaluated: 2026-04-01. Review status: criteria provided, single submitter. Criteria: CeGaT Center For Human Genetics Tuebingen Variant Classification Criteria Version 2. Collection method: clinical testing. Allele origin: germline. Affected: yes. Observed: 1 variant allele.

Labcorp Genetics (formerly Invitae), Labcorp
Classification: Uncertain significance. Last evaluated: 2025-10-13. Review status: criteria provided, single submitter. Criteria: Invitae Variant Classification Sherloc (09022015). Collection method: clinical testing. Allele origin: germline.
Comment: This sequence change replaces proline, which is neutral and non-polar, with leucine, which is neutral and non-polar, at codon 1250 of the COL4A1 protein (p.Pro1250Leu). The frequency data for this variant in the population databases is considered unreliable, as metrics indicate poor data quality at this position in the gnomAD database. This variant has not been reported in the literature in individuals affected with COL4A1-related conditions. ClinVar contains an entry for this variant (Variation ID: 2201588). Invitae Evidence Modeling of protein sequence and biophysical properties (such as structural, functional, and spatial information, amino acid conservation, physicochemical variation, residue mobility, and thermodynamic stability) indicates that this missense variant is not expected to disrupt COL4A1 protein function with a negative predictive value of 95%. In summary, the available evidence is currently insufficient to determine the role of this variant in disease. Therefore, it has been classified as a Variant of Uncertain Significance.

PreventionGenetics, part of Exact Sciences
Classification: Uncertain significance for COL4A1-related condition. Last evaluated: 2024-01-30. Review status: no assertion criteria provided. Collection method: clinical testing. Allele origin: germline. Not counted in ClinVar's aggregate classification.
Comment: The COL4A1 c.3749C>T variant is predicted to result in the amino acid substitution p.Pro1250Leu. To our knowledge, this variant has not been reported in the literature. This variant is reported in 0.016% of alleles in individuals of South Asian descent in gnomAD. At this time, the clinical significance of this variant is uncertain due to the absence of conclusive functional and genetic evidence.